The following is an entry in ClinVar:

ClinVar aggregate classification (germline): Uncertain significance (1 of 4 stars; one submission).

Submission:

Ambry Genetics
Classification: Uncertain significance. Last evaluated: 2022-03-12. Review status: criteria provided, single submitter. Criteria: Ambry Variant Classification Scheme 2023. Collection method: clinical testing. Allele origin: germline.
Comment: The p.S914R variant (also known as c.2742T>G), located in coding exon 13 of the NPAT gene, results from a T to G substitution at nucleotide position 2742. The serine at codon 914 is replaced by arginine, an amino acid with dissimilar properties. This amino acid position is conserved. In addition, this alteration is predicted to be tolerated by in silico analysis. Since supporting evidence is limited at this time, the clinical significance of this alteration remains unclear.

NM_002519.3(NPAT):c.2742T>G (p.Ser914Arg)

Gene: NPAT (nuclear protein, coactivator of histone transcription; minus strand). Cytogenetic location: 11q22.3.
Variant type: single nucleotide variant.
Coding change: c.2742T>G on transcript NM_002519.3 (MANE Select); coding-DNA position 2742, T replaced by G.
Protein change: p.Ser914Arg; replaces serine 914 with arginine.
Molecular consequence: missense variant.
Genome position (GRCh38, 1-based): chr11:108,172,242, A>C on the plus strand (T>G on the coding strand, the complement: NPAT is on the minus strand). VCF-style: chr11-108172242-A-C. GRCh37 (hg19) VCF-style: chr11-108042969-A-C.
Other names: c.2742T>G, p.Ser914Arg (NM_001321307.1); short protein forms S914R.
Identifiers: ClinVar variation 1795459 (VCV001795459.2), dbSNP rs2496716156, ClinGen allele CA382512333.